The following is an entry in ClinVar:

NM_000046.5(ARSB):c.1499C>T (p.Ser500Phe)

Gene: ARSB (arylsulfatase B; minus strand). Cytogenetic location: 5q14.1.
Variant type: single nucleotide variant.
Coding change: c.1499C>T on transcript NM_000046.5 (MANE Select); coding-DNA position 1499, C replaced by T.
Protein change: p.Ser500Phe; replaces serine 500 with phenylalanine.
Molecular consequence: missense variant.
Genome position (GRCh38, 1-based): chr5:78,780,500, G>A on the plus strand (C>T on the coding strand, the complement: ARSB is on the minus strand). VCF-style: chr5-78780500-G-A. GRCh37 (hg19) VCF-style: chr5-78076323-G-A.
Other names: short protein forms S500F.
Identifiers: ClinVar variation 1979902 (VCV001979902.4), dbSNP rs1167396422, ClinGen allele CA360338978.

ClinVar aggregate classification (germline): Uncertain significance (1 of 4 stars; one submission).

Conditions:
Mucopolysaccharidosis type 6 (MPS6). Also called: MPS 6; Maroteaux Lamy syndrome; N-ACETYLGALACTOSAMINE-4-SULFATASE DEFICIENCY; MPS VI; ARSB DEFICIENCY; ARYLSULFATASE B DEFICIENCY. Identifiers: Orphanet 583, MedGen C0026709, MONDO:0009661, OMIM 253200.

gnomAD v4.1: 2 of 1,614,168 alleles (0.00012%); highest among the groups gnomAD compares: East Asian, 0.0045%; no homozygotes.

Submission:

Labcorp Genetics (formerly Invitae), Labcorp
Classification: Uncertain significance for Mucopolysaccharidosis type 6. Last evaluated: 2022-01-07. Review status: criteria provided, single submitter. Criteria: Invitae Variant Classification Sherloc (09022015). Collection method: clinical testing. Allele origin: germline.
Comment: This sequence change replaces serine, which is neutral and polar, with phenylalanine, which is neutral and non-polar, at codon 500 of the ARSB protein (p.Ser500Phe). This variant is not present in population databases (gnomAD no frequency). This variant has not been reported in the literature in individuals affected with ARSB-related conditions. Advanced modeling of protein sequence and biophysical properties (such as structural, functional, and spatial information, amino acid conservation, physicochemical variation, residue mobility, and thermodynamic stability) performed at Invitae indicates that this missense variant is not expected to disrupt ARSB protein function. In summary, the available evidence is currently insufficient to determine the role of this variant in disease. Therefore, it has been classified as a Variant of Uncertain Significance.